The following is an entry in ClinVar:

NC_000003.11:g.(?_193382649)_(193385089_?)del

Gene: OPA1 (OPA1 mitochondrial dynamin like GTPase; plus strand). Cytogenetic location: 3q29.
Variant type: Deletion.
Identifiers: ClinVar variation 1453972 (VCV001453972.7).

ClinVar aggregate classification (germline): Pathogenic (1 of 4 stars; one submission).

Submission:

Labcorp Genetics (formerly Invitae), Labcorp
Classification: Pathogenic. Last evaluated: 2022-09-23. Review status: criteria provided, single submitter. Criteria: Invitae Variant Classification Sherloc (09022015). Collection method: clinical testing. Allele origin: germline.
Comment: For these reasons, this variant has been classified as Pathogenic. This variant disrupts a region of the OPA1 protein in which other variant(s) (p.Asp950Cysfs*4) have been determined to be pathogenic (PMID: 17188070). This suggests that this is a clinically significant region of the protein, and that variants that disrupt it are likely to be disease-causing. This variant has not been reported in the literature in individuals affected with OPA1-related conditions. This variant is a gross deletion of the genomic region encompassing exon(s) 25-27 of the OPA1 gene. While this deletion is not anticipated to lead to nonsense mediated decay, it is expected to disrupt the C-terminus of the protein.

Literature cited by the submitters: PubMed 17188070.